The following is an entry in ClinVar:

NC_012920.1(MT-CYB):m.15793C>A

Gene: MT-CYB (mitochondrially encoded cytochrome b; plus strand).
Variant type: single nucleotide variant.
Genome position: chrM-15793-C-A.
Identifiers: ClinVar variation 693955 (VCV000693955.1), dbSNP rs1603225497, ClinGen allele CA913174854.

ClinVar aggregate classification (germline): Uncertain significance (1 of 4 stars; one submission).

Conditions:
Leigh syndrome (NULS). Also called: Leigh's necrotizing encephalopathy; Leigh's disease; Leigh's syndrome; LEIGH SYNDROME, NUCLEAR; Leigh Syndrome (mtDNA deletion); Leigh Disease. Identifiers: Orphanet 506, MedGen C2931891, MONDO:0009723, OMIM 256000.

Submission:

Wong Mito Lab, Molecular and Human Genetics, Baylor College of Medicine
Classification: Uncertain significance for Leigh syndrome. Last evaluated: 2019-10-17. Review status: criteria provided, single submitter. Criteria: Modified ACMG Guidelines (Unpublished). Collection method: clinical testing. Allele origin: germline.
Comment: The NC_012920.1:m.15793C>A (YP_003024038.1:p.Ile349Met) variant in MTCYB gene is interpretated to be a Uncertain Significance variant based on the modified ACMG guidelines (unpublished). This variant meets the following evidence codes: PP6, PP7